The following is an entry in ClinVar:

ClinVar aggregate classification (germline): Uncertain significance (1 of 4 stars; one submission).

Submission:

GeneDx
Classification: Uncertain significance. Last evaluated: 2025-05-19. Review status: criteria provided, single submitter. Criteria: GeneDx Variant Classification Process June 2021. Collection method: clinical testing. Allele origin: germline. Affected: yes.
Comment: Not observed at significant frequency in large population cohorts (gnomAD); In-frame deletion of 4 amino acid(s) in a non-repeat region; In silico analysis suggests that this variant does not alter protein structure/function; Has not been previously published as pathogenic or benign to our knowledge

NM_198334.3(GANAB):c.6_17del (p.Ala3_Ala6del)

Gene: GANAB (glucosidase II alpha subunit; minus strand). Cytogenetic location: 11q12.3.
Variant type: Deletion.
Coding change: c.6_17del on transcript NM_198334.3 (MANE Select); coding-DNA positions 6 to 17, 12 bases deleted (GGCGGTAGCGGC).
Protein change: p.Ala3_Ala6del.
Molecular consequence: initiator codon variant. On other transcripts: 5 prime UTR variant (3).
Genome position (GRCh38, 1-based): chr11:62,646,583-62,646,594, GCCGCTACCGCC deleted on the plus strand (GGCGGTAGCGGC on the coding strand, the reverse complement: GANAB is on the minus strand); deleting any 12 consecutive bases within chr11:62,646,583-62,646,597 gives the same sequence; the c. name uses the placement nearest the transcript's 3' end. VCF-style (leftmost placement, unchanged base first): chr11-62646582-TGCCGCTACCGCC-T. GRCh37 (hg19) VCF-style: chr11-62414054-TGCCGCTACCGCC-T.
Other names: c.6_17del, p.Ala3_Ala6del (NM_001278192.2, NM_001278193.2, NM_198335.4); c.-177_-166del (NM_001278194.2); c.-282_-271del (NM_001329223.2); c.-771_-760del (NM_001329225.2).
Identifiers: ClinVar variation 4530905 (VCV004530905.1).